The following is an entry in ClinVar:

ClinVar aggregate classification (germline): Benign (1 of 4 stars; one submission).

Allele frequency attached by ClinVar (database versions not stated): gnomAD 0.74377 and 0.74803; TOPMed 0.76169; 1000 Genomes Project 0.83826; 1000 Genomes Project 30x 0.84088.
gnomAD v4.1: 113,550 of 152,034 alleles (75%); highest among the groups gnomAD compares: African/African-American, 92%; 43,706 homozygotes.

Submission:

GeneDx
Classification: Benign. Last evaluated: 2018-06-14. Review status: criteria provided, single submitter. Criteria: GeneDx Variant Classification (06012015). Collection method: clinical testing. Allele origin: germline. Affected: yes.
Comment: This variant is considered likely benign or benign based on one or more of the following criteria: it is a conservative change, it occurs at a poorly conserved position in the protein, it is predicted to be benign by multiple in silico algorithms, and/or has population frequency not consistent with disease.

NM_006846.4(SPINK5):c.209+234A>G

Gene: SPINK5 (serine peptidase inhibitor Kazal type 5; plus strand). Cytogenetic location: 5q32.
Variant type: single nucleotide variant.
Coding change: c.209+234A>G on transcript NM_006846.4 (MANE Select); 234 bases into the intron after coding-DNA position 209, A replaced by G.
Molecular consequence: intron variant.
Genome position (GRCh38, 1-based): chr5:148,070,684, A>G. VCF-style: chr5-148070684-A-G. GRCh37 (hg19) VCF-style: chr5-147450247-A-G.
Other names: c.209+234A>G (NM_001127698.2, NM_001127699.2).
Identifiers: ClinVar variation 677108 (VCV000677108.1), dbSNP rs10073775, ClinGen allele CA15376213.
Genomic context (GRCh38, chr5:148,070,684, plus strand): 5'-CCACCTGGAAAGATTTTAATAATCACTCAAACAAGATTCTGAAAGCATTCCAGAGGGCCC[A>G]GTGTCAATACCTTCTGTAGCACTCTATAGTCTTTTGAGGATGTAGTTCCACTTTGAACTT-3'